The following is an entry in ClinVar:

NM_001375524.1(TRRAP):c.740T>C (p.Val247Ala)

Gene: TRRAP (transformation/transcription domain associated protein; plus strand). Cytogenetic location: 7q22.1.
Variant type: single nucleotide variant.
Coding change: c.740T>C on transcript NM_001375524.1 (MANE Select); coding-DNA position 740, T replaced by C.
Protein change: p.Val247Ala; replaces valine 247 with alanine.
Molecular consequence: missense variant.
Genome position (GRCh38, 1-based): chr7:98,899,707, T>C. VCF-style: chr7-98899707-T-C. GRCh37 (hg19) VCF-style: chr7-98497330-T-C.
Other names: c.740T>C, p.Val247Ala (NM_001244580.2, NM_003496.4); c.740T>C (NM_003496.3); short protein forms V247A.
Identifiers: ClinVar variation 3730726 (VCV003730726.3).

ClinVar aggregate classification (germline): Uncertain significance. Review status: criteria provided, multiple submitters, no conflicts (2 of 4 stars). 2 submissions from 2 submitters: Uncertain significance (2). Last evaluated 2025-03-20.

Submissions (2):

GeneDx
Classification: Uncertain significance. Last evaluated: 2025-03-20. Review status: criteria provided, single submitter. Criteria: GeneDx Variant Classification Process June 2021. Collection method: clinical testing. Allele origin: germline. Affected: yes.
Comment: Not observed at significant frequency in large population cohorts (gnomAD); In silico analysis supports that this missense variant has a deleterious effect on protein structure/function; Has not been previously published as pathogenic or benign to our knowledge

Labcorp Genetics (formerly Invitae), Labcorp
Classification: Uncertain significance. Last evaluated: 2024-11-21. Review status: criteria provided, single submitter. Criteria: Invitae Variant Classification Sherloc (09022015). Collection method: clinical testing. Allele origin: germline.
Comment: This sequence change replaces valine, which is neutral and non-polar, with alanine, which is neutral and non-polar, at codon 247 of the TRRAP protein (p.Val247Ala). This variant is not present in population databases (gnomAD no frequency). This variant has not been reported in the literature in individuals affected with TRRAP-related conditions. Invitae Evidence Modeling of protein sequence and biophysical properties (such as structural, functional, and spatial information, amino acid conservation, physicochemical variation, residue mobility, and thermodynamic stability) has been performed for this missense variant. However, the output from this modeling did not meet the statistical confidence thresholds required to predict the impact of this variant on TRRAP protein function. In summary, the available evidence is currently insufficient to determine the role of this variant in disease. Therefore, it has been classified as a Variant of Uncertain Significance.